The following is an entry in ClinVar:

ClinVar aggregate classification (germline): Likely benign (1 of 4 stars; one submission).

Submission:

Women's Health and Genetics/Laboratory Corporation of America, LabCorp
Classification: Likely benign. Last evaluated: 2026-04-09. Review status: criteria provided, single submitter. Criteria: LabCorp Variant Classification Summary - May 2015. Collection method: clinical testing. Allele origin: germline.
Comment: Variant summary: C3 c.4850+17_4850+20dupCGCG alters nucleotides located at a position not widely known to affect splicing. Consensus agreement among computation tools predict no significant impact on normal splicing. However, these predictions have yet to be confirmed by functional studies. The variant was absent in 251292 control chromosomes (gnomAD). The available data on variant occurrences in the general population are insufficient to allow any conclusion about variant significance. To our knowledge, no occurrence of c.4850+17_4850+20dupCGCG in individuals affected with C3-related conditions and no experimental evidence demonstrating its impact on protein function have been reported. No submitters have cited clinical-significance assessments for this variant to ClinVar. Based on the evidence outlined above, the variant was classified as likely benign.

NM_000064.4(C3):c.4850+17CG[4]

Gene: C3 (complement C3; minus strand). Cytogenetic location: 19p13.3.
Variant type: Microsatellite.
Coding change: c.4850+17CG[4] on transcript NM_000064.4 (MANE Select); four copies in a row of the 2-base unit CG starting at c.4850+17; the reference has two copies in a row; two copies, 4 bases duplicated.
Molecular consequence: intron variant.
Genome position (GRCh38, 1-based): chr19:6,678,132-6,678,135, CGCG duplicated on the plus strand (CGCG on the coding strand, the reverse complement: C3 is on the minus strand); duplicating any 4 consecutive bases within chr19:6,678,132-6,678,136 gives the same sequence; the position shown is the placement nearest the transcript's 3' end. VCF-style (leftmost placement, unchanged base first): chr19-6678131-A-ACGCG. GRCh37 (hg19) VCF-style: chr19-6678142-A-ACGCG.
Other names: c.4850+17_4850+20dupCGCG (NM_000064.4).
Identifiers: ClinVar variation 4848712 (VCV004848712.1).